The following is an entry in ClinVar:

NM_001291303.3(FAT4):c.3664T>C (p.Ser1222Pro)

Gene: FAT4 (FAT atypical cadherin 4; plus strand). Cytogenetic location: 4q28.1.
Variant type: single nucleotide variant.
Coding change: c.3664T>C on transcript NM_001291303.3 (MANE Select); coding-DNA position 3664, T replaced by C.
Protein change: p.Ser1222Pro; replaces serine 1222 with proline.
Molecular consequence: missense variant.
Genome position (GRCh38, 1-based): chr4:125,320,075, T>C. VCF-style: chr4-125320075-T-C. GRCh37 (hg19) VCF-style: chr4-126241230-T-C.
Other names: c.3664T>C, p.Ser1222Pro (NM_001291285.3, NM_024582.6); short protein forms S1222P.
Identifiers: ClinVar variation 1498728 (VCV001498728.8), dbSNP rs2125943712, ClinGen allele CA358124481.

ClinVar aggregate classification (germline): Uncertain significance (1 of 4 stars; one submission).

Submission:

Labcorp Genetics (formerly Invitae), Labcorp
Classification: Uncertain significance. Last evaluated: 2022-10-25. Review status: criteria provided, single submitter. Criteria: Invitae Variant Classification Sherloc (09022015). Collection method: clinical testing. Allele origin: germline.
Comment: This sequence change replaces serine, which is neutral and polar, with proline, which is neutral and non-polar, at codon 1222 of the FAT4 protein (p.Ser1222Pro). This variant is not present in population databases (gnomAD no frequency). This variant has not been reported in the literature in individuals affected with FAT4-related conditions. ClinVar contains an entry for this variant (Variation ID: 1498728). Advanced modeling of protein sequence and biophysical properties (such as structural, functional, and spatial information, amino acid conservation, physicochemical variation, residue mobility, and thermodynamic stability) performed at Invitae indicates that this missense variant is not expected to disrupt FAT4 protein function. In summary, the available evidence is currently insufficient to determine the role of this variant in disease. Therefore, it has been classified as a Variant of Uncertain Significance.